The following is an entry in ClinVar:

ClinVar aggregate classification (germline): Uncertain significance (1 of 4 stars; one submission).

gnomAD v4.1: 10 of 1,613,606 alleles (0.00062%); highest among the groups gnomAD compares: East Asian, 0.011%; no homozygotes.

Submission:

Labcorp Genetics (formerly Invitae), Labcorp
Classification: Uncertain significance. Last evaluated: 2024-10-07. Review status: criteria provided, single submitter. Criteria: Invitae Variant Classification Sherloc (09022015). Collection method: clinical testing. Allele origin: germline.
Comment: This sequence change replaces aspartic acid, which is acidic and polar, with tyrosine, which is neutral and polar, at codon 499 of the TWNK protein (p.Asp499Tyr). This variant is present in population databases (rs371334193, gnomAD 0.01%). This missense change has been observed in individual(s) with TWNK-related conditions (PMID: 32038460). Invitae Evidence Modeling of protein sequence and biophysical properties (such as structural, functional, and spatial information, amino acid conservation, physicochemical variation, residue mobility, and thermodynamic stability) indicates that this missense variant is expected to disrupt TWNK protein function with a positive predictive value of 95%. In summary, the available evidence is currently insufficient to determine the role of this variant in disease. Therefore, it has been classified as a Variant of Uncertain Significance.

Literature cited by the submitters: PubMed 32038460.

NM_021830.5(TWNK):c.1495G>T (p.Asp499Tyr)

Gene: TWNK (twinkle mtDNA helicase; plus strand). Cytogenetic location: 10q24.31.
Variant type: single nucleotide variant.
Coding change: c.1495G>T on transcript NM_021830.5 (MANE Select); coding-DNA position 1495, G replaced by T.
Protein change: p.Asp499Tyr; replaces aspartic acid 499 with tyrosine.
Molecular consequence: missense variant. On other transcripts: non-coding transcript variant (5).
Genome position (GRCh38, 1-based): chr10:100,990,446, G>T. VCF-style: chr10-100990446-G-T. GRCh37 (hg19) VCF-style: chr10-102750203-G-T.
Other names: c.1495G>T, p.Asp499Tyr (NM_001163812.2); c.133G>T, p.Asp45Tyr (NM_001163813.2, NM_001163814.2, NM_001368275.1); short protein forms D499Y, D45Y.
Identifiers: ClinVar variation 3711123 (VCV003711123.2).
Genomic context (GRCh38, chr10:100,990,446, plus strand): 5'-GGGGTGGTCTAGAGACAACTTGTCAAATTCCTTGCCTTTCCTCTTCCCAGGACTGTAATA[G>T]ATACAATGCAACATGCAGTCTACGTCTATGACATTTGTCATGTGATCATCGACAACCTGC-3'
Protein context (NP_068602.2, residues 489-509): HGQQSIRTVI[Asp499Tyr]TMQHAVYVYD